The following is an entry in ClinVar:

NM_001127208.3(TET2):c.471A>C (p.Glu157Asp)

Genes: TET2 (tet methylcytosine dioxygenase 2; plus strand), TET2-AS1 (TET2 antisense RNA 1; minus strand). Cytogenetic location: 4q24.
Variant type: single nucleotide variant.
Coding change: c.471A>C on transcript NM_001127208.3 (MANE Select); coding-DNA position 471, A replaced by C.
Protein change: p.Glu157Asp; replaces glutamic acid 157 with aspartic acid.
Molecular consequence: missense variant.
Genome position (GRCh38, 1-based): chr4:105,234,413, A>C. VCF-style: chr4-105234413-A-C. GRCh37 (hg19) VCF-style: chr4-106155570-A-C.
Other names: c.471A>C, p.Glu157Asp (NM_017628.4); short protein forms E157D.
Identifiers: ClinVar variation 4843501 (VCV004843501.1).

ClinVar aggregate classification (germline): Uncertain significance (1 of 4 stars; one submission).

Submission:

Ambry Genetics
Classification: Uncertain significance. Last evaluated: 2026-01-14. Review status: criteria provided, single submitter. Criteria: Ambry Variant Classification Scheme 2023. Collection method: clinical testing. Allele origin: germline.
Comment: The p.E157D variant (also known as c.471A>C), located in coding exon 1 of the TET2 gene, results from an A to C substitution at nucleotide position 471. The glutamic acid at codon 157 is replaced by aspartic acid, an amino acid with highly similar properties. This amino acid position is conserved. In addition, this alteration is predicted to be tolerated by in silico analysis. Based on the available evidence, the clinical significance of this variant remains unclear.